The following is an entry in ClinVar:

ClinVar aggregate classification (germline): Uncertain significance. Review status: criteria provided, multiple submitters, no conflicts (2 of 4 stars). 3 submissions from 3 submitters: Uncertain significance (3). Last evaluated 2025-12-08.

Conditions:
Retinitis pigmentosa (RP). Identifiers: Orphanet 791, MedGen C0035334, MeSH D012174, MONDO:0019200, OMIM 268000. Inheritance: Autosomal dominant, autosomal recessive and X linked inheritance.

Allele frequency attached by ClinVar (database versions not stated): ExAC 0.00005; gnomAD 0.00006; gnomAD exomes 0.00006 and 0.00013; TOPMed 0.00010; ESP Exome Variant Server 0.00031.
gnomAD v4.1: 200 of 1,613,892 alleles (0.012%); highest among the groups gnomAD compares: Non-Finnish European, 0.016%; no homozygotes.

Submissions (3):

Labcorp Genetics (formerly Invitae), Labcorp
Classification: Uncertain significance. Last evaluated: 2025-12-08. Review status: criteria provided, single submitter. Criteria: Invitae Variant Classification Sherloc (09022015). Collection method: clinical testing. Allele origin: germline.
Comment: This sequence change replaces glutamic acid, which is acidic and polar, with glycine, which is neutral and non-polar, at codon 532 of the RP1 protein (p.Glu532Gly). This variant is present in population databases (rs371028735, gnomAD 0.01%). This missense change has been observed in individual(s) with retinitis pigmentosa (internal data). ClinVar contains an entry for this variant (Variation ID: 910946). An algorithm developed to predict the effect of missense changes on protein structure and function (PolyPhen-2) suggests that this variant is likely to be disruptive. In summary, the available evidence is currently insufficient to determine the role of this variant in disease. Therefore, it has been classified as a Variant of Uncertain Significance.

Blueprint Genetics
Classification: Uncertain significance. Last evaluated: 2023-11-06. Review status: criteria provided, single submitter. Criteria: ACMG Guidelines, 2015. Collection method: clinical testing. Allele origin: germline.

Illumina Laboratory Services, Illumina
Classification: Uncertain significance for Retinitis pigmentosa. Last evaluated: 2018-01-12. Review status: criteria provided, single submitter. Criteria: ICSL Variant Classification Criteria 13 December 2019. Collection method: clinical testing. Allele origin: germline.

NM_006269.2(RP1):c.1595A>G (p.Glu532Gly)

Gene: RP1 (RP1 axonemal microtubule associated; plus strand). Cytogenetic location: 8q12.1.
Variant type: single nucleotide variant.
Coding change: c.1595A>G on transcript NM_006269.2 (MANE Select); coding-DNA position 1595, A replaced by G.
Protein change: p.Glu532Gly; replaces glutamic acid 532 with glycine.
Molecular consequence: missense variant. On other transcripts: intron variant (1).
Genome position (GRCh38, 1-based): chr8:54,625,477, A>G. VCF-style: chr8-54625477-A-G. GRCh37 (hg19) VCF-style: chr8-55538037-A-G.
Other names: c.787+3189A>G (NM_001375654.1); short protein forms E532G.
Identifiers: ClinVar variation 910946 (VCV000910946.11), dbSNP rs371028735, ClinGen allele CA4751407.